The following is an entry in ClinVar:

ClinVar aggregate classification (germline): Uncertain significance. Review status: criteria provided, multiple submitters, no conflicts (2 of 4 stars). 2 submissions from 2 submitters: Uncertain significance (2). Last evaluated 2025-06-29.

Conditions:
Inborn genetic diseases. Identifiers: MedGen C0950123, MeSH D030342.
Muscle AMP deaminase deficiency (MMDD). Also called: ADENOSINE MONOPHOSPHATE DEAMINASE-1 DEFICIENCY, MYOPATHY DUE TO; Myoadenylate deaminase deficiency, myopathy due to; Adenosine monophosphate deaminase 1 deficiency; AMP deaminase 1 deficiency; Adenosine Monophosphate Deaminase 1; AMPD1 DEFICIENCY. Identifiers: Orphanet 45, MedGen C3714933, MONDO:0014220, OMIM 615511.

Allele frequency attached by ClinVar (database versions not stated): gnomAD exomes below 0.00001.
gnomAD v4.1: 2 of 1,614,196 alleles (0.00012%); highest among the groups gnomAD compares: Admixed American, 0.0017%; no homozygotes.

Submissions (2):

Ambry Genetics
Classification: Uncertain significance for Inborn genetic diseases. Last evaluated: 2025-06-29. Review status: criteria provided, single submitter. Criteria: Ambry Variant Classification Scheme 2023. Collection method: clinical testing. Allele origin: germline.

Labcorp Genetics (formerly Invitae), Labcorp
Classification: Uncertain significance for Muscle AMP deaminase deficiency. Last evaluated: 2022-05-22. Review status: criteria provided, single submitter. Criteria: Invitae Variant Classification Sherloc (09022015). Collection method: clinical testing. Allele origin: germline.
Comment: In summary, the available evidence is currently insufficient to determine the role of this variant in disease. Therefore, it has been classified as a Variant of Uncertain Significance. Algorithms developed to predict the effect of missense changes on protein structure and function (SIFT, PolyPhen-2, Align-GVGD) all suggest that this variant is likely to be disruptive. This variant has not been reported in the literature in individuals affected with AMPD1-related conditions. This variant is present in population databases (no rsID available, gnomAD 0.003%). This sequence change replaces phenylalanine, which is neutral and non-polar, with serine, which is neutral and polar, at codon 556 of the AMPD1 protein (p.Phe556Ser).

NM_000036.3(AMPD1):c.1568T>C (p.Phe523Ser)

Gene: AMPD1 (adenosine monophosphate deaminase 1; minus strand). Cytogenetic location: 1p13.2.
Variant type: single nucleotide variant.
Coding change: c.1568T>C on transcript NM_000036.3 (MANE Select); coding-DNA position 1568, T replaced by C.
Protein change: p.Phe523Ser; replaces phenylalanine 523 with serine.
Molecular consequence: missense variant.
Genome position (GRCh38, 1-based): chr1:114,675,641, A>G on the plus strand (T>C on the coding strand, the complement: AMPD1 is on the minus strand). VCF-style: chr1-114675641-A-G. GRCh37 (hg19) VCF-style: chr1-115218262-A-G.
Other names: c.1556T>C, p.Phe519Ser (NM_001172626.2); c.1667T>C (NM_000036.2); short protein forms F519S, F523S.
Identifiers: ClinVar variation 1930284 (VCV001930284.4), dbSNP rs1255993719, ClinGen allele CA341747005.